The following is an entry in ClinVar:

ClinVar aggregate classification (germline): Uncertain significance (1 of 4 stars; one submission).

Conditions:
Fanconi anemia (FA). Also called: Fanconi's anemia. Identifiers: Orphanet 84, MedGen C0015625, MeSH D005199, MONDO:0019391.

Allele frequency attached by ClinVar (database versions not stated): gnomAD 0.00001; TOPMed 0.00001.
gnomAD v4.1: 11 of 1,614,148 alleles (0.00068%); highest among the groups gnomAD compares: Non-Finnish European, 0.00093%; no homozygotes.

Submission:

Labcorp Genetics (formerly Invitae), Labcorp
Classification: Uncertain significance for Fanconi anemia. Last evaluated: 2024-12-23. Review status: criteria provided, single submitter. Criteria: Invitae Variant Classification Sherloc (09022015). Collection method: clinical testing. Allele origin: germline.
Comment: This sequence change replaces leucine, which is neutral and non-polar, with arginine, which is basic and polar, at codon 16 of the FANCL protein (p.Leu16Arg). This variant is present in population databases (no rsID available, gnomAD 0.0009%). This variant has not been reported in the literature in individuals affected with FANCL-related conditions. ClinVar contains an entry for this variant (Variation ID: 3006556). An algorithm developed to predict the effect of missense changes on protein structure and function (PolyPhen-2) suggests that this variant is likely to be disruptive. In summary, the available evidence is currently insufficient to determine the role of this variant in disease. Therefore, it has been classified as a Variant of Uncertain Significance.

NM_018062.4(FANCL):c.47T>G (p.Leu16Arg)

Gene: FANCL (FA complementation group L; minus strand). Cytogenetic location: 2p16.1.
Variant type: single nucleotide variant.
Coding change: c.47T>G on transcript NM_018062.4 (MANE Select); coding-DNA position 47, T replaced by G.
Protein change: p.Leu16Arg; replaces leucine 16 with arginine.
Molecular consequence: missense variant.
Genome position (GRCh38, 1-based): chr2:58,241,267, A>C on the plus strand (T>G on the coding strand, the complement: FANCL is on the minus strand). VCF-style: chr2-58241267-A-C. GRCh37 (hg19) VCF-style: chr2-58468402-A-C.
Other names: c.47T>G, p.Leu16Arg (NM_001114636.2, NM_001374615.1, NM_001410792.1); short protein forms L16R.
Identifiers: ClinVar variation 3006556 (VCV003006556.2), dbSNP rs747354131, ClinGen allele CA347035142.